The following is an entry in ClinVar:

ClinVar aggregate classification (germline): Uncertain significance. Review status: criteria provided, multiple submitters, no conflicts (2 of 4 stars). 2 submissions from 2 submitters: Uncertain significance (2). Last evaluated 2026-05-12.

gnomAD v4.1: 13 of 1,614,104 alleles (0.00081%); highest among the groups gnomAD compares: Non-Finnish European, 0.0011%; no homozygotes.

Submissions (2):

Women's Health and Genetics/Laboratory Corporation of America, LabCorp
Classification: Uncertain significance. Last evaluated: 2026-05-12. Review status: criteria provided, single submitter. Criteria: LabCorp Variant Classification Summary - May 2015. Collection method: clinical testing. Allele origin: germline.

Labcorp Genetics (formerly Invitae), Labcorp
Classification: Uncertain significance. Last evaluated: 2022-09-24. Review status: criteria provided, single submitter. Criteria: Invitae Variant Classification Sherloc (09022015). Collection method: clinical testing. Allele origin: germline.
Comment: This sequence change replaces valine, which is neutral and non-polar, with leucine, which is neutral and non-polar, at codon 543 of the DUOX2 protein (p.Val543Leu). This variant is not present in population databases (gnomAD no frequency). This variant has not been reported in the literature in individuals affected with DUOX2-related conditions. Advanced modeling of protein sequence and biophysical properties (such as structural, functional, and spatial information, amino acid conservation, physicochemical variation, residue mobility, and thermodynamic stability) has been performed at Invitae for this missense variant, however the output from this modeling did not meet the statistical confidence thresholds required to predict the impact of this variant on DUOX2 protein function. In summary, the available evidence is currently insufficient to determine the role of this variant in disease. Therefore, it has been classified as a Variant of Uncertain Significance.

NM_001363711.2(DUOX2):c.1627G>T (p.Val543Leu)

Gene: DUOX2 (dual oxidase 2; minus strand). Cytogenetic location: 15q21.1.
Variant type: single nucleotide variant.
Coding change: c.1627G>T on transcript NM_001363711.2 (MANE Select); coding-DNA position 1627, G replaced by T.
Protein change: p.Val543Leu; replaces valine 543 with leucine.
Molecular consequence: missense variant.
Genome position (GRCh38, 1-based): chr15:45,107,411, C>A on the plus strand (G>T on the coding strand, the complement: DUOX2 is on the minus strand). VCF-style: chr15-45107411-C-A. GRCh37 (hg19) VCF-style: chr15-45399609-C-A.
Other names: c.1627G>T, p.Val543Leu (NM_014080.5); short protein forms V543L.
Identifiers: ClinVar variation 1927108 (VCV001927108.3), dbSNP rs765474223, ClinGen allele CA270130221.